The following is an entry in ClinVar:

ClinVar aggregate classification (germline): Uncertain significance (1 of 4 stars; one submission).

Allele frequency attached by ClinVar (database versions not stated): gnomAD exomes below 0.00001; TOPMed below 0.00001.
gnomAD v4.1: 1 of 1,612,908 alleles (0.000062%); highest among the groups gnomAD compares: South Asian, 0.0011%; no homozygotes.

Submission:

Mayo Clinic Laboratories, Mayo Clinic
Classification: Uncertain significance. Last evaluated: 2023-01-16. Review status: criteria provided, single submitter. Criteria: ACMG Guidelines, 2015. Collection method: clinical testing. Allele origin: germline. Observed: 1 variant allele.
Comment: PP3, PM2

NM_000337.6(SGCD):c.3+5G>A

Gene: SGCD (sarcoglycan delta; plus strand). Cytogenetic location: 5q33.3.
Variant type: single nucleotide variant.
Coding change: c.3+5G>A on transcript NM_000337.6 (MANE Select); 5 bases into the intron after coding-DNA position 3, G replaced by A.
Molecular consequence: intron variant.
Genome position (GRCh38, 1-based): chr5:156,329,584, G>A. VCF-style: chr5-156329584-G-A. GRCh37 (hg19) VCF-style: chr5-155756594-G-A.
Other names: c.-1+2352G>A (NM_001128209.2); c.3+5G>A (NM_172244.3).
Identifiers: ClinVar variation 2682910 (VCV002682910.1), dbSNP rs1000990823, ClinGen allele CA130592481.
Genomic context (GRCh38, chr5:156,329,584, plus strand): 5'-TTCCTTGCAGAGACATTACTGCCGGGAGTGTTGAGTGAAGGGACCAGGTGGAGATGGTGA[G>A]TAATTCCCGGGAGCGAAGCTTGTTCAAGGCCCTGCTCATGGTCATTTTATTATTAACATA-3'